The following is an entry in ClinVar:

ClinVar aggregate classification (germline): Likely pathogenic. Review status: reviewed by expert panel (3 of 4 stars). 2 submissions from 2 submitters: Likely pathogenic (1). 1 of the submissions does not count toward it. Last evaluated 2025-08-01.

Conditions:
Malignant hyperthermia, susceptibility to, 1 (MHS1). Also called: RYR1-Related Malignant Hyperthermia Susceptibility; Malignant hyperthermia suceptibility 1; Anesthesia related hyperthermia; Malignant hyperpyrexia; Fulminating hyperpyrexia; Pharmacogenic myopathy. Identifiers: Orphanet 423, MedGen C2930980, MONDO:0007783, OMIM 145600.

Submissions (2):

ClinGen Malignant Hyperthermia Susceptibility Variant Curation Expert Panel, ClinGen
Classification: Likely pathogenic for Malignant hyperthermia, susceptibility to, 1. Last evaluated: 2025-08-01. Review status: reviewed by expert panel. Criteria: ClinGen MHS ACMG Specifications V2. Collection method: curation. Allele origin: germline. Inheritance: Autosomal dominant inheritance.
Comment: This pathogenicity assessment is relevant only for malignant hyperthermia susceptibility (MHS) inherited in an autosomal dominant pattern. Variants in RYR1 can also cause other myopathies inherited in an autosomal dominant pattern or in an autosomal recessive pattern. Some of these disorders may predispose individuals to malignant hyperthermia. RYR1 variants may also contribute to a malignant hyperthermia reaction in combination with other genetic and non-genetic factors and the clinician needs to consider such factors in making management decisions. This sequence variant predicts a substitution of tyrosine with cysteine at codon 522 of the RYR1 protein, p.Tyr522Cys. This variant was not present in a large population database (gnomAD) at the time this variant was interpreted. This variant has been reported in four unrelated individuals who have a personal or family history of a malignant hyperthermia reaction, one of these individuals had a positive in vitro contracture test (IVCT) or caffeine halothane contracture test (CHCT) result (if the proband was unavailable for testing, a positive diagnostic test result in a mutation-positive relative was counted), PS4_Moderate (PMID:30236257, PMID:16244001, PMID:32919876). Studies in HEK293 cells demonstrated a leaky channel and neither PS3 or BS3 were awarded (PMID:26115329, PMID:31841587). Another variant assessed as pathogenic occurs at this codon, p.(Tyr522Ser), PM5. This variant resides in a region of RYR1 considered to be a hotspot for pathogenic variants that contribute to MHS, use PM1_Supporting to avoid overweighting with PM5 (PMID: 21118704). A REVEL score >0.85 (0.949) supports a pathogenic status for this variant, PP3_Moderate. This variant is classified as Likely Pathogenic. Criteria implemented: PS4_Moderate, PM1_Supporting, PM5, PP3_Moderate.

RYR1 database
No classification provided. Review status: no classification provided. Collection method: not provided. Allele origin: unknown. Not counted in ClinVar's aggregate classification.

NM_000540.3(RYR1):c.1565A>G (p.Tyr522Cys)

Gene: RYR1 (ryanodine receptor 1; plus strand). Cytogenetic location: 19q13.2.
Variant type: single nucleotide variant.
Coding change: c.1565A>G on transcript NM_000540.3 (MANE Select); coding-DNA position 1565, A replaced by G.
Protein change: p.Tyr522Cys; replaces tyrosine 522 with cysteine.
Molecular consequence: missense variant.
Genome position (GRCh38, 1-based): chr19:38,455,359, A>G. VCF-style: chr19-38455359-A-G. GRCh37 (hg19) VCF-style: chr19-38945999-A-G.
Other names: NM_000540.2(RYR1):c.1565A>G; p.Tyr522Cys; c.1565A>G, p.Tyr522Cys (NM_001042723.2); short protein forms Y522C.
Identifiers: ClinVar variation 133100 (VCV000133100.5), dbSNP rs118192162, ClinGen allele CA024287.